The following is an entry in ClinVar:

ClinVar aggregate classification (germline): Likely pathogenic. Review status: reviewed by expert panel (3 of 4 stars). 2 submissions from 2 submitters: Likely pathogenic (1). 1 of the submissions does not count toward it. Last evaluated 2023-10-17.

Conditions:
Glanzmann thrombasthenia. Also called: BLEEDING DISORDER, PLATELET-TYPE, 2; THROMBASTHENIA OF GLANZMANN AND NAEGELI; PLATELET GLYCOPROTEIN IIb-IIIa DEFICIENCY; Glanzmann's thrombasthenia; Thrombasthenia. Identifiers: Orphanet 849, MedGen C0040015, MONDO:0100326.

Allele frequency attached by ClinVar (database versions not stated): gnomAD exomes below 0.00001.
gnomAD v4.1: 1 of 1,598,268 alleles (0.000063%); highest among the groups gnomAD compares: Non-Finnish European, 0.000085%; no homozygotes.

Submissions (2):

ClinGen Platelet Disorders Variant Curation Expert Panel, ClinGen
Classification: Likely pathogenic for Glanzmann thrombasthenia. Last evaluated: 2023-10-17. Review status: reviewed by expert panel. Criteria: ClinGen Platelet ACMG Specifications v2-1. Collection method: curation. Allele origin: germline. Inheritance: Autosomal recessive inheritance.
Comment: The ITGA2B missense variant NM_000419.4:c.555T>G replaces the isoleucine residue with a methionine residue (p.Ile185Met). Furthermore, this variant has not been observed in population databases (absent from gnomAD v2.1.1 and v3; PM2_supporting). Although the in silico meta-predictor REVEL score for this variant is 0.134 (below the VCEP-established threshold of 0.25) and multiple other in silico tools also predict no impact on the gene product, splicing tools predict this variant creates an exonic cryptic donor site (SpliceAI delta score 0.89), potentially altering splicing. Given the conflicting in silico predictions for this variant, neither BP4 nor PP3 was applied. Experimental evidence is needed to clarify the effect of the variant on the gene product. In summary, this variant is classified as likely pathogenic for GT. GT-specific criteria applied: PM2_supporting, PP4_strong, PM3_supporting.

Labcorp Genetics (formerly Invitae), Labcorp
Classification: Uncertain significance for Glanzmann thrombasthenia. Last evaluated: 2025-11-18. Review status: criteria provided, single submitter. Criteria: Invitae Variant Classification Sherloc (09022015). Collection method: clinical testing. Allele origin: germline. Not counted in ClinVar's aggregate classification.
Comment: This sequence change replaces isoleucine, which is neutral and non-polar, with methionine, which is neutral and non-polar, at codon 185 of the ITGA2B protein (p.Ile185Met). This variant is not present in population databases (gnomAD no frequency). This missense change has been observed in individual(s) with clinical features of autosomal recessive ITGA2B-related conditions (PMID: 25373348). ClinVar contains an entry for this variant (Variation ID: 952995). Invitae Evidence Modeling of protein sequence and biophysical properties (such as structural, functional, and spatial information, amino acid conservation, physicochemical variation, residue mobility, and thermodynamic stability) has been performed for this missense variant. However, the output from this modeling did not meet the statistical confidence thresholds required to predict the impact of this variant on ITGA2B protein function. Studies have shown that this missense change alters ITGA2B gene expression (PMID: 25373348). Algorithms developed to predict the effect of sequence changes on RNA splicing suggest that this variant may disrupt the consensus splice site. In summary, the available evidence is currently insufficient to determine the role of this variant in disease. Therefore, it has been classified as a Variant of Uncertain Significance.

Literature cited by the submitters: PubMed 25373348 (cited by Labcorp Genetics (formerly Invitae), Labcorp).

NM_000419.5(ITGA2B):c.555T>G (p.Ile185Met)

Gene: ITGA2B (integrin subunit alpha 2b; minus strand). Cytogenetic location: 17q21.31.
Variant type: single nucleotide variant.
Coding change: c.555T>G on transcript NM_000419.5 (MANE Select); coding-DNA position 555, T replaced by G.
Protein change: p.Ile185Met; replaces isoleucine 185 with methionine.
Molecular consequence: missense variant.
Genome position (GRCh38, 1-based): chr17:44,385,570, A>C on the plus strand (T>G on the coding strand, the complement: ITGA2B is on the minus strand). VCF-style: chr17-44385570-A-C. GRCh37 (hg19) VCF-style: chr17-42462938-A-C.
Other names: short protein forms I185M.
Identifiers: ClinVar variation 952995 (VCV000952995.4), dbSNP rs2048639927, ClinGen allele CA399805736.
Genomic context (GRCh38, chr17:44,385,570, plus strand): 5'-CCGTCGCGAGTGGGCGGGGCCAGGTCGTAGCTGGCGCTTACTAAAATCATTTTCCACGTA[A>C]ATGCGGCTCAGGGTGTTCCCGCGACAGGGGGAGTACTCGGCGCGGCGGCCGCTCTCTGGC-3'
Protein context (NP_000410.2, residues 175-195): SPCRGNTLSR[Ile185Met]YVENDFSWDK